The following is an entry in ClinVar:

NM_000161.3(GCH1):c.646C>T (p.Arg216Ter)

Gene: GCH1 (GTP cyclohydrolase 1; minus strand). Cytogenetic location: 14q22.2.
Variant type: single nucleotide variant.
Coding change: c.646C>T on transcript NM_000161.3 (MANE Select); coding-DNA position 646, C replaced by T.
Protein change: p.Arg216Ter; replaces arginine 216 with a stop codon.
Molecular consequence: nonsense. On other transcripts: intron variant (2).
Genome position (GRCh38, 1-based): chr14:54,844,124, G>A on the plus strand (C>T on the coding strand, the complement: GCH1 is on the minus strand). VCF-style: chr14-54844124-G-A. GRCh37 (hg19) VCF-style: chr14-55310842-G-A.
Other names: c.646C>T, p.Arg216Ter (NM_001024024.2); c.627-1070C>T (NM_001024071.2); c.627-255C>T (NM_001024070.2); short protein forms R216*.
Identifiers: ClinVar variation 803028 (VCV000803028.48), dbSNP rs41298440, ClinGen allele CA16609623.

ClinVar aggregate classification (germline): Pathogenic/Likely pathogenic. Review status: criteria provided, multiple submitters, no conflicts (2 of 4 stars). 4 submissions from 4 submitters: Pathogenic (3); Likely pathogenic (1). Last evaluated 2025-11-01.

Conditions:
Dystonia 5 (DRD). Also called: Dystonia, DOPA-responsive, with or without hyperphenylalaninemia; DYT-GCH1; GTP Cyclohydrolase 1-Deficient Dopa-Responsive Dystonia; DYSTONIA, PROGRESSIVE, WITH DIURNAL VARIATION; DYSTONIA-PARKINSONISM WITH DIURNAL FLUCTUATION. Identifiers: Orphanet 98808, MedGen C1851920, MONDO:0007495, OMIM 128230.
GTP cyclohydrolase I deficiency. Identifiers: MedGen C0268467, MONDO:0100184.

Allele frequency attached by ClinVar (database versions not stated): gnomAD exomes below 0.00001.

Submissions (4):

CeGaT Center for Human Genetics Tuebingen
Classification: Pathogenic. Last evaluated: 2025-11-01. Review status: criteria provided, single submitter. Criteria: CeGaT Center For Human Genetics Tuebingen Variant Classification Criteria Version 2. Collection method: clinical testing. Allele origin: germline. Affected: yes. Observed: 2 variant alleles.
Comment: GCH1: PS4, PVS1:Strong, PM2, PP1

Labcorp Genetics (formerly Invitae), Labcorp
Classification: Pathogenic for GTP cyclohydrolase I deficiency; Dystonia 5. Last evaluated: 2024-11-11. Review status: criteria provided, single submitter. Criteria: Invitae Variant Classification Sherloc (09022015). Collection method: clinical testing. Allele origin: germline.
Comment: This sequence change creates a premature translational stop signal (p.Arg216*) in the GCH1 gene. While this is not anticipated to result in nonsense mediated decay, it is expected to disrupt the last 35 amino acid(s) of the GCH1 protein. This variant is present in population databases (rs41298440, gnomAD 0.0009%). This premature translational stop signal has been observed in individuals with dystonia (PMID: 8852666, 24509643, 29948246, 31213404). ClinVar contains an entry for this variant (Variation ID: 803028). Algorithms developed to predict the effect of sequence changes on RNA splicing suggest that this variant may disrupt the consensus splice site. This variant disrupts a region of the GCH1 protein in which other variant(s) (p.Arg241Gln) have been determined to be pathogenic (PMID: 24993959). This suggests that this is a clinically significant region of the protein, and that variants that disrupt it are likely to be disease-causing. For these reasons, this variant has been classified as Pathogenic.

Mendelics
Classification: Pathogenic for GTP cyclohydrolase I deficiency with hyperphenylalaninemia. Last evaluated: 2019-05-28. Review status: criteria provided, single submitter. Criteria: Mendelics Assertion Criteria 2017. Collection method: clinical testing. Allele origin: unknown.

Clinical Biomedical Laboratory, Shriners Hospital For Children - Canada
Classification: Likely pathogenic for Dystonia 5. Review status: criteria provided, single submitter. Criteria: ACMG Guidelines, 2015. Collection method: clinical testing. Allele origin: germline. Affected: yes.
Comment: This variant is predicted to substitute an arginine residue by a stop codon. This is expected to lead to a truncated protein rather than degradation of the affected transcript as the variant affects the last exon of the gene. The gene is associated with Dopa-responsive dystonia, which has overlap with the phenotype of the proband. This variant is absent from the Genome Aggregation Database (v2.1.1.), indicating it is very rare. This variant has been published several times (PMID: 24509643). Based on the ACMG variant interpretation guidelines (criteria: PVS1, PM2, PS4, PP4), the available evidence supports classification of this variant as likely pathogenic.

Literature cited by the submitters: PubMed 8852666 (cited by Labcorp Genetics (formerly Invitae), Labcorp); PubMed 24509643 (cited by Labcorp Genetics (formerly Invitae), Labcorp); PubMed 29948246 (cited by Labcorp Genetics (formerly Invitae), Labcorp); PubMed 31213404 (cited by Labcorp Genetics (formerly Invitae), Labcorp); PubMed 24993959 (cited by Labcorp Genetics (formerly Invitae), Labcorp).